The following is an entry in ClinVar:

ClinVar aggregate classification (germline): Uncertain significance (1 of 4 stars; one submission).

Conditions:
Developmental and epileptic encephalopathy, 9 (DEE9). Also called: Early infantile epileptic encephalopathy 9; PCDH19-Related X-Linked Female-Limited Epilepsy with Mental Retardation; EPILEPSY, FEMALE-RESTRICTED, WITH MENTAL RETARDATION; JUBERG-HELLMAN SYNDROME. Identifiers: Orphanet 101039, Orphanet 2076, MedGen C1848137, MONDO:0010246, OMIM 300088. Disease mechanism: loss of function.

Submission:

Labcorp Genetics (formerly Invitae), Labcorp
Classification: Uncertain significance for Developmental and epileptic encephalopathy, 9. Last evaluated: 2020-05-11. Review status: criteria provided, single submitter. Criteria: Invitae Variant Classification Sherloc (09022015). Collection method: clinical testing. Allele origin: germline.
Comment: In summary, the available evidence is currently insufficient to determine the role of this variant in disease. Therefore, it has been classified as a Variant of Uncertain Significance. Algorithms developed to predict the effect of missense changes on protein structure and function (SIFT, PolyPhen-2, Align-GVGD) all suggest that this variant is likely to be disruptive, but these predictions have not been confirmed by published functional studies and their clinical significance is uncertain. This variant has not been reported in the literature in individuals with PCDH19-related conditions. This variant is not present in population databases (ExAC no frequency). This sequence change replaces proline with serine at codon 327 of the PCDH19 protein (p.Pro327Ser). The proline residue is highly conserved and there is a moderate physicochemical difference between proline and serine.

NM_001184880.2(PCDH19):c.979C>T (p.Pro327Ser)

Gene: PCDH19 (protocadherin 19; minus strand). Cytogenetic location: Xq22.1.
Variant type: single nucleotide variant.
Coding change: c.979C>T on transcript NM_001184880.2 (MANE Select); coding-DNA position 979, C replaced by T.
Protein change: p.Pro327Ser; replaces proline 327 with serine.
Molecular consequence: missense variant.
Genome position (GRCh38, 1-based): chrX:100,407,619, G>A on the plus strand (C>T on the coding strand, the complement: PCDH19 is on the minus strand). VCF-style: chrX-100407619-G-A. GRCh37 (hg19) VCF-style: chrX-99662617-G-A.
Other names: c.979C>T, p.Pro327Ser (NM_001105243.2, NM_020766.3); short protein forms P327S.
Identifiers: ClinVar variation 1027108 (VCV001027108.9), dbSNP rs1928416253, ClinGen allele CA414004873.
Genomic context (GRCh38, chrX:100,407,619, plus strand): 5'-TGATGACCGGCGGATTGTCATTGGTGTCCAGCACGCTGACGGTGACCTTGCAGTGTGCCG[G>A]GATGGAATTGGGCCCCAAGTCCTTAGCCTGCACGTCCAGTTCGTACACGTGCCCCTCTTC-3'
Protein context (NP_001171809.1, residues 317-337): QAKDLGPNSI[Pro327Ser]AHCKVTVSVL